The following is an entry in ClinVar:

ClinVar aggregate classification (germline): Uncertain significance. Review status: criteria provided, multiple submitters, no conflicts (2 of 4 stars). 2 submissions from 2 submitters: Uncertain significance (2). Last evaluated 2026-07-01.

Conditions:
Hereditary cancer-predisposing syndrome. Also called: Hereditary neoplastic syndrome; Neoplastic Syndromes, Hereditary; Tumor predisposition; Hereditary Cancer Syndrome. Identifiers: Orphanet 140162, MedGen C0027672, MeSH D009386, MONDO:0015356.
DICER1-related tumor predisposition. Also called: DICER1-related pleuropulmonary blastoma cancer predisposition syndrome; DICER1 syndrome. Identifiers: Orphanet 284343, MedGen C3839822, MONDO:0100216.

Allele frequency attached by ClinVar (database versions not stated): gnomAD exomes below 0.00001.
gnomAD v4.1: 1 of 1,614,074 alleles (0.000062%); highest among the groups gnomAD compares: East Asian, 0.0022%; no homozygotes.

Submissions (2):

Ambry Genetics
Classification: Uncertain significance for Hereditary cancer-predisposing syndrome. Last evaluated: 2026-07-01. Review status: criteria provided, single submitter. Criteria: Ambry Variant Classification Scheme 2023. Collection method: clinical testing. Allele origin: germline.
Comment: The p.Y543C variant (also known as c.1628A>G), located in coding exon 9 of the DICER1 gene, results from an A to G substitution at nucleotide position 1628. The tyrosine at codon 543 is replaced by cysteine, an amino acid with highly dissimilar properties. This amino acid position is highly conserved in available vertebrate species. In addition, this alteration is predicted to be deleterious by in silico analysis. Based on the available evidence, the clinical significance of this variant remains unclear.

Labcorp Genetics (formerly Invitae), Labcorp
Classification: Uncertain significance for DICER1-related tumor predisposition. Last evaluated: 2024-04-24. Review status: criteria provided, single submitter. Criteria: Invitae Variant Classification Sherloc (09022015). Collection method: clinical testing. Allele origin: germline.
Comment: This sequence change replaces tyrosine, which is neutral and polar, with cysteine, which is neutral and slightly polar, at codon 543 of the DICER1 protein (p.Tyr543Cys). This variant is not present in population databases (gnomAD no frequency). This variant has not been reported in the literature in individuals affected with DICER1-related conditions. ClinVar contains an entry for this variant (Variation ID: 1929757). Advanced modeling of protein sequence and biophysical properties (such as structural, functional, and spatial information, amino acid conservation, physicochemical variation, residue mobility, and thermodynamic stability) performed at Invitae indicates that this missense variant is expected to disrupt DICER1 protein function with a positive predictive value of 80%. In summary, the available evidence is currently insufficient to determine the role of this variant in disease. Therefore, it has been classified as a Variant of Uncertain Significance.

NM_177438.3(DICER1):c.1628A>G (p.Tyr543Cys)

Gene: DICER1 (dicer 1, ribonuclease III; minus strand). Cytogenetic location: 14q32.13.
Variant type: single nucleotide variant.
Coding change: c.1628A>G on transcript NM_177438.3 (MANE Select); coding-DNA position 1628, A replaced by G.
Protein change: p.Tyr543Cys; replaces tyrosine 543 with cysteine.
Molecular consequence: missense variant. On other transcripts: 5 prime UTR variant (1), non-coding transcript variant (6).
Genome position (GRCh38, 1-based): chr14:95,116,577, T>C on the plus strand (A>G on the coding strand, the complement: DICER1 is on the minus strand). VCF-style: chr14-95116577-T-C. GRCh37 (hg19) VCF-style: chr14-95582914-T-C.
Other names: c.1628A>G, p.Tyr543Cys (NM_001195573.1, NM_001271282.3, NM_001291628.2 and 13 more transcripts); c.1346A>G, p.Tyr449Cys (NM_001395686.1); c.1223A>G, p.Tyr408Cys (NM_001395687.1, NM_001395688.1, NM_001395689.1 and 3 more transcripts); c.1061A>G, p.Tyr354Cys (NM_001395691.1); c.-56A>G (NM_001395697.1); short protein forms Y408C, Y354C, Y543C, Y449C.
Identifiers: ClinVar variation 1929757 (VCV001929757.6), dbSNP rs1892493932, ClinGen allele CA390884922.